The following is an entry in ClinVar:

NM_170606.3(KMT2C):c.3159-71_3173dup

Gene: KMT2C (lysine methyltransferase 2C; minus strand). Cytogenetic location: 7q36.1.
Variant type: Duplication.
Coding change: c.3159-71_3173dup on transcript NM_170606.3 (MANE Select); 71 bases into the intron before coding-DNA position 3159 through coding-DNA position 3173, 86 bases duplicated.
Molecular consequence: splice acceptor variant.
Genome position (GRCh38, 1-based): chr7:152,224,165-152,224,250, 86 bases duplicated. GRCh37 (hg19): chr7:151,921,252-151,921,337.
Identifiers: ClinVar variation 4813384 (VCV004813384.2).

ClinVar aggregate classification (germline): Uncertain significance (1 of 4 stars; one submission).

Submission:

GeneDx
Classification: Uncertain significance. Last evaluated: 2026-03-23. Review status: criteria provided, single submitter. Criteria: GeneDx Variant Classification Process June 2021. Collection method: clinical testing. Allele origin: germline.
Comment: Not observed at significant frequency in large population cohorts (gnomAD); In silico analysis is inconclusive as to whether the variant alters gene splicing. In the absence of RNA/functional studies, the actual effect of this sequence change is unknown.; Has not been previously published as pathogenic or benign to our knowledge